The following is an entry in ClinVar:

ClinVar aggregate classification (germline): Conflicting classifications of pathogenicity. Review status: criteria provided, conflicting classifications (1 of 4 stars). 3 submissions from 3 submitters: Uncertain significance (2); Likely benign (1). Last evaluated 2025-01-17.

Conditions:
Hereditary cancer-predisposing syndrome. Also called: Neoplastic Syndromes, Hereditary; Tumor predisposition; Hereditary Cancer Syndrome; Hereditary neoplastic syndrome. Identifiers: Orphanet 140162, MedGen C0027672, MeSH D009386, MONDO:0015356.
Familial cancer of breast. Also called: BREAST CANCER, FAMILIAL; Hereditary breast cancer; hereditary breast carcinoma. Identifiers: Orphanet 227535, MedGen C0346153, MONDO:0016419, OMIM 114480. Disease mechanism: loss of function.

Allele frequency attached by ClinVar (database versions not stated): gnomAD exomes below 0.00001 and 0.00001; ExAC 0.00001; TOPMed 0.00001.
gnomAD v4.1: 3 of 1,614,138 alleles (0.00019%); highest among the groups gnomAD compares: Admixed American, 0.0017%; no homozygotes.

Submissions (3):

Labcorp Genetics (formerly Invitae), Labcorp
Classification: Uncertain significance for Familial cancer of breast. Last evaluated: 2025-01-17. Review status: criteria provided, single submitter. Criteria: Invitae Variant Classification Sherloc (09022015). Collection method: clinical testing. Allele origin: germline.
Comment: This sequence change replaces valine, which is neutral and non-polar, with isoleucine, which is neutral and non-polar, at codon 504 of the PALB2 protein (p.Val504Ile). This variant is present in population databases (rs771846754, gnomAD 0.003%). This variant has not been reported in the literature in individuals affected with PALB2-related conditions. ClinVar contains an entry for this variant (Variation ID: 187090). Invitae Evidence Modeling of protein sequence and biophysical properties (such as structural, functional, and spatial information, amino acid conservation, physicochemical variation, residue mobility, and thermodynamic stability) indicates that this missense variant is not expected to disrupt PALB2 protein function with a negative predictive value of 80%. In summary, the available evidence is currently insufficient to determine the role of this variant in disease. Therefore, it has been classified as a Variant of Uncertain Significance.

Color Diagnostics, LLC DBA Color Health
Classification: Uncertain significance for Hereditary cancer-predisposing syndrome. Last evaluated: 2024-09-24. Review status: criteria provided, single submitter. Criteria: ACMG Guidelines, 2015. Collection method: clinical testing. Allele origin: germline.
Comment: This missense variant replaces valine with isoleucine at codon 504 of the PALB2 protein. Computational prediction suggests that this variant may not impact protein structure and function. To our knowledge, functional studies have not been reported for this variant. This variant has been detected in a breast cancer case-control meta-analysis in 1/60466 cases and 0/53461 unaffected individuals (PMID: 33471991; Leiden Open Variation Database DB-ID PALB2_011012). This variant has been identified in 1/251468 chromosomes in the general population by the Genome Aggregation Database (gnomAD). The available evidence is insufficient to determine the role of this variant in disease conclusively. Therefore, this variant is classified as a Variant of Uncertain Significance.

Ambry Genetics
Classification: Likely benign for Hereditary cancer-predisposing syndrome. Last evaluated: 2024-03-15. Review status: criteria provided, single submitter. Criteria: Ambry Variant Classification Scheme 2023. Collection method: clinical testing. Allele origin: germline.

Literature cited by the submitters: PubMed 33471991 (cited by Color Diagnostics, LLC DBA Color Health).

NM_024675.4(PALB2):c.1510G>A (p.Val504Ile)

Gene: PALB2 (partner and localizer of BRCA2; minus strand). Cytogenetic location: 16p12.2.
Variant type: single nucleotide variant.
Coding change: c.1510G>A on transcript NM_024675.4 (MANE Select); coding-DNA position 1510, G replaced by A.
Protein change: p.Val504Ile; replaces valine 504 with isoleucine.
Molecular consequence: missense variant.
Genome position (GRCh38, 1-based): chr16:23,635,036, C>T on the plus strand (G>A on the coding strand, the complement: PALB2 is on the minus strand). VCF-style: chr16-23635036-C-T. GRCh37 (hg19) VCF-style: chr16-23646357-C-T.
Other names: short protein forms V504I.
Identifiers: ClinVar variation 187090 (VCV000187090.20), dbSNP rs771846754, ClinGen allele CA196712.